The following is an entry in ClinVar:

ClinVar aggregate classification (germline): Uncertain significance (1 of 4 stars; one submission).

Conditions:
Thrombophilia due to protein S deficiency, autosomal recessive (THPH6). Identifiers: Orphanet 743, MedGen C3281092, MONDO:0013791, OMIM 614514. Disease mechanism: loss of function.

Submission:

Labcorp Genetics (formerly Invitae), Labcorp
Classification: Uncertain significance for Thrombophilia due to protein S deficiency, autosomal recessive. Last evaluated: 2020-02-29. Review status: criteria provided, single submitter. Criteria: Invitae Variant Classification Sherloc (09022015). Collection method: clinical testing. Allele origin: germline.
Comment: This sequence change replaces glycine with aspartic acid at codon 189 of the PROS1 protein (p.Gly189Asp). The glycine residue is highly conserved and there is a moderate physicochemical difference between glycine and aspartic acid. This variant is not present in population databases (ExAC no frequency). This variant has been observed in individual(s) with protein S deficiency (PMID: 20880255). Algorithms developed to predict the effect of missense changes on protein structure and function (SIFT, PolyPhen-2, Align-GVGD) all suggest that this variant is likely to be disruptive, but these predictions have not been confirmed by published functional studies and their clinical significance is uncertain. In summary, the available evidence is currently insufficient to determine the role of this variant in disease. Therefore, it has been classified as a Variant of Uncertain Significance.

Literature cited by the submitters: PubMed 20880255.

NM_000313.4(PROS1):c.566G>A (p.Gly189Asp)

Gene: PROS1 (protein S; minus strand). Cytogenetic location: 3q11.1.
Variant type: single nucleotide variant.
Coding change: c.566G>A on transcript NM_000313.4 (MANE Select); coding-DNA position 566, G replaced by A.
Protein change: p.Gly189Asp; replaces glycine 189 with aspartic acid.
Molecular consequence: missense variant.
Genome position (GRCh38, 1-based): chr3:93,905,819, C>T on the plus strand (G>A on the coding strand, the complement: PROS1 is on the minus strand). VCF-style: chr3-93905819-C-T. GRCh37 (hg19) VCF-style: chr3-93624663-C-T.
Other names: c.662G>A, p.Gly221Asp (NM_001314077.2); short protein forms G189D, G221D.
Identifiers: ClinVar variation 1017349 (VCV001017349.1), dbSNP rs1708666597, ClinGen allele CA353673443.